The following is an entry in ClinVar:

NM_032620.4(GTPBP3):c.509_510del (p.Glu170fs)

Gene: GTPBP3 (GTP binding protein 3, mitochondrial; plus strand). Cytogenetic location: 19p13.11.
Variant type: Microsatellite.
Coding change: c.509_510del on transcript NM_032620.4 (MANE Select); coding-DNA positions 509 to 510, 2 bases deleted (AG; older notation c.509_510delAG).
Protein change: p.Glu170fs; shifts the reading frame from glutamic acid 170.
Molecular consequence: frameshift variant.
Genome position (GRCh38, 1-based): chr19:17,338,659-17,338,660, AG deleted; deleting any 2 consecutive bases within chr19:17,338,657-17,338,660 gives the same sequence; the c. name uses the placement nearest the transcript's 3' end. VCF-style (leftmost placement, unchanged base first): chr19-17338656-CAG-C. GRCh37 (hg19) VCF-style: chr19-17449465-CAG-C.
Other names: c.509_510del, p.Glu170fs (NM_001128855.3, NM_133644.4); c.575_576del, p.Glu192fs (NM_001195422.1); short protein forms E170fs, E192fs.
Identifiers: ClinVar variation 1802977 (VCV001802977.3), dbSNP rs1414881768, ClinGen allele CA632134129.

ClinVar aggregate classification (germline): Pathogenic/Likely pathogenic. Review status: criteria provided, multiple submitters, no conflicts (2 of 4 stars). 3 submissions from 3 submitters: Pathogenic (1); Likely pathogenic (2). Last evaluated 2025-05-24.

Conditions:
GTPBP3-related disorders.

Submissions (3):

Labcorp Genetics (formerly Invitae), Labcorp
Classification: Pathogenic. Last evaluated: 2025-05-24. Review status: criteria provided, single submitter. Criteria: Invitae Variant Classification Sherloc (09022015). Collection method: clinical testing. Allele origin: germline.
Comment: This sequence change creates a premature translational stop signal (p.Glu170Glyfs*42) in the GTPBP3 gene. It is expected to result in an absent or disrupted protein product. Loss-of-function variants in GTPBP3 are known to be pathogenic (PMID: 25434004). This variant is present in population databases (no rsID available, gnomAD 0.006%). This premature translational stop signal has been observed in individual(s) with GTPBP3-related conditions (PMID: 34276756). For these reasons, this variant has been classified as Pathogenic.

Blueprint Genetics
Classification: Likely pathogenic for GTPBP3-related disorders. Last evaluated: 2021-12-01. Review status: criteria provided, single submitter. Criteria: ACMG Guidelines, 2015. Collection method: clinical testing. Allele origin: germline. Affected: yes. Observed: 1 variant allele.

Pediatric Department, Xiangya Hospital, Central South University
Classification: Likely pathogenic. Review status: criteria provided, single submitter. Criteria: ACMG Guidelines, 2015. Collection method: clinical testing. Allele origin: maternal. Affected: yes.
Comment: This variant was observed in compound heterozygosity with variant (c.413C>T)

Literature cited by the submitters: PubMed 25434004 (cited by Labcorp Genetics (formerly Invitae), Labcorp); PubMed 34276756 (cited by Labcorp Genetics (formerly Invitae), Labcorp).